The following is an entry in ClinVar:

NM_001128148.3(TFRC):c.1198+2T>G

Gene: TFRC (transferrin receptor; minus strand). Cytogenetic location: 3q29.
Variant type: single nucleotide variant.
Coding change: c.1198+2T>G on transcript NM_001128148.3 (MANE Select); the canonical splice donor site of the intron after coding-DNA position 1198, T replaced by G.
Molecular consequence: splice donor variant.
Genome position (GRCh38, 1-based): chr3:196,065,441, A>C on the plus strand (T>G on the coding strand, the complement: TFRC is on the minus strand). VCF-style: chr3-196065441-A-C. GRCh37 (hg19) VCF-style: chr3-195792312-A-C.
Other names: c.352+2T>G (NM_001313966.2); c.955+2T>G (NM_001313965.2); c.1198+2T>G (NM_003234.4).
Identifiers: ClinVar variation 3725697 (VCV003725697.2).

ClinVar aggregate classification (germline): Uncertain significance (1 of 4 stars; one submission).

Submission:

Labcorp Genetics (formerly Invitae), Labcorp
Classification: Uncertain significance. Last evaluated: 2025-07-31. Review status: criteria provided, single submitter. Criteria: Invitae Variant Classification Sherloc (09022015). Collection method: clinical testing. Allele origin: germline.
Comment: This sequence change affects a donor splice site in intron 10 of the TFRC gene. It is expected to disrupt RNA splicing. Variants that disrupt the donor or acceptor splice site typically lead to a loss of protein function (PMID: 16199547), however the current clinical and genetic evidence is not sufficient to establish whether loss-of-function variants in TFRC cause disease. The frequency data for this variant in the population databases is considered unreliable, as metrics indicate poor data quality at this position in the gnomAD database. This variant has not been reported in the literature in individuals affected with TFRC-related conditions. ClinVar contains an entry for this variant (Variation ID: 3725697). Algorithms developed to predict the effect of sequence changes on RNA splicing suggest that this variant may disrupt the consensus splice site. In summary, the available evidence is currently insufficient to determine the role of this variant in disease. Therefore, it has been classified as a Variant of Uncertain Significance.

Literature cited by the submitters: PubMed 16199547.